The following is an entry in ClinVar:

NM_023110.3(FGFR1):c.-89+3064G>T

Gene: FGFR1 (fibroblast growth factor receptor 1; minus strand). Cytogenetic location: 8p11.23.
Variant type: single nucleotide variant.
Coding change: c.-89+3064G>T on transcript NM_023110.3 (MANE Select); 3064 bases into the intron after 89 bases upstream of the start codon, G replaced by T.
Molecular consequence: intron variant.
Genome position (GRCh38, 1-based): chr8:38,464,917, C>A on the plus strand (G>T on the coding strand, the complement: FGFR1 is on the minus strand). VCF-style: chr8-38464917-C-A. GRCh37 (hg19) VCF-style: chr8-38322435-C-A.
Other names: c.-89+2755G>T (NM_001174065.2, NM_001174066.2, NM_001354369.2 and 1 more transcripts); c.-150+2755G>T (NM_001174067.2); c.-89+3064G>T (NM_001354368.2, NM_001354370.2, NM_023106.3 and 4 more transcripts); c.-181+3064G>T (NM_001174064.2).
Identifiers: ClinVar variation 2658559 (VCV002658559.24), dbSNP rs143569150, ClinGen allele CA12878513.
Genomic context (GRCh38, chr8:38,464,917, plus strand): 5'-CTTTAGAAACGAAGGCAAGAAAAAAGCCTTTGTAGAAGCCGGCTGCTAAACCCCCAAGTT[C>A]ATACCAGCAAATCTCTCATTTTAGGAGTCTTGTTTCAGGTCAATACTGAAAACAAAGAGC-3'

ClinVar aggregate classification (germline): Benign (1 of 4 stars; one submission).

Allele frequency attached by ClinVar (database versions not stated): 1000 Genomes Project 30x 0.00375; 1000 Genomes Project 0.00399; TOPMed 0.00611; gnomAD 0.00729.
gnomAD v4.1: 1,105 of 152,326 alleles (0.73%); highest among the groups gnomAD compares: Admixed American, 1.5%; 12 homozygotes.

Submission:

CeGaT Center for Human Genetics Tuebingen
Classification: Benign. Last evaluated: 2026-09-01. Review status: criteria provided, single submitter. Criteria: CeGaT Center For Human Genetics Tuebingen Variant Classification Criteria Version 2. Collection method: clinical testing. Allele origin: germline. Affected: yes. Observed: 19 variant alleles.
Comment: FGFR1: BS1, BS2